The following is an entry in ClinVar:

NM_001205293.3(CACNA1E):c.1830C>G (p.Leu610=)

Gene: CACNA1E (calcium voltage-gated channel subunit alpha1 E; plus strand). Cytogenetic location: 1q25.3.
Variant type: single nucleotide variant.
Coding change: c.1830C>G on transcript NM_001205293.3 (MANE Select); coding-DNA position 1830, C replaced by G.
Protein change: p.Leu610=; no amino-acid change (leucine 610 retained).
Molecular consequence: synonymous variant.
Genome position (GRCh38, 1-based): chr1:181,720,284, C>G. VCF-style: chr1-181720284-C-G. GRCh37 (hg19) VCF-style: chr1-181689420-C-G.
Other names: c.1830C>G, p.Leu610= (NM_000721.4, NM_001205294.2).
Identifiers: ClinVar variation 3698656 (VCV003698656.9).
Genomic context (GRCh38, chr1:181,720,284, plus strand): 5'-GAATTTGGTGGTCTCCTTGATGAGCTCAATGAAGTCTATCATCAGTTTGCTTTTCCTCCT[C>G]TTCCTCTTCATCGTTGTCTTTGCTCTCCTAGGAATGCAGTTATTTGGAGGCAGGTAAGTG-3'
Protein context (NP_001192222.1, residues 600-620): MKSIISLLFL[Leu610=]FLFIVVFALL

ClinVar aggregate classification (germline): Likely benign. Review status: criteria provided, multiple submitters, no conflicts (2 of 4 stars). 2 submissions from 2 submitters: Likely benign (2). Last evaluated 2025-11-24.

gnomAD v4.1: 1 of 1,613,884 alleles (0.000062%); highest among the groups gnomAD compares: Non-Finnish European, 0.000085%; no homozygotes.

Submissions (2):

Labcorp Genetics (formerly Invitae), Labcorp
Classification: Likely benign. Last evaluated: 2025-11-24. Review status: criteria provided, single submitter. Criteria: Invitae Variant Classification Sherloc (09022015). Collection method: clinical testing. Allele origin: germline.

CeGaT Center for Human Genetics Tuebingen
Classification: Likely benign. Last evaluated: 2025-04-01. Review status: criteria provided, single submitter. Criteria: CeGaT Center For Human Genetics Tuebingen Variant Classification Criteria Version 2. Collection method: clinical testing. Allele origin: germline. Affected: yes. Observed: 1 variant allele.
Comment: CACNA1E: BP4, BP7